The following is an entry in ClinVar:

ClinVar aggregate classification (germline): Uncertain significance. Review status: criteria provided, multiple submitters, no conflicts (2 of 4 stars). 2 submissions from 2 submitters: Uncertain significance (2). Last evaluated 2025-07-31.

Conditions:
Inborn genetic diseases. Identifiers: MedGen C0950123, MeSH D030342.

gnomAD v4.1: 1 of 1,614,146 alleles (0.000062%); highest among the groups gnomAD compares: African/African-American, 0.0013%; no homozygotes.

Submissions (2):

Ambry Genetics
Classification: Uncertain significance for Inborn genetic diseases. Last evaluated: 2025-07-31. Review status: criteria provided, single submitter. Criteria: Ambry Variant Classification Scheme 2023. Collection method: clinical testing. Allele origin: germline.
Comment: The p.R97T variant (also known as c.290G>C), located in coding exon 2 of the MBD4 gene, results from a G to C substitution at nucleotide position 290. The arginine at codon 97 is replaced by threonine, an amino acid with similar properties. This amino acid position is conserved. In addition, this alteration is predicted to be deleterious by in silico analysis. Based on the available evidence, the clinical significance of this variant remains unclear.

Labcorp Genetics (formerly Invitae), Labcorp
Classification: Uncertain significance. Last evaluated: 2024-12-28. Review status: criteria provided, single submitter. Criteria: Invitae Variant Classification Sherloc (09022015). Collection method: clinical testing. Allele origin: germline.
Comment: This sequence change replaces arginine, which is basic and polar, with threonine, which is neutral and polar, at codon 97 of the MBD4 protein (p.Arg97Thr). This variant is not present in population databases (gnomAD no frequency). This variant has not been reported in the literature in individuals affected with MBD4-related conditions. An algorithm developed to predict the effect of missense changes on protein structure and function (PolyPhen-2) suggests that this variant is likely to be disruptive. In summary, the available evidence is currently insufficient to determine the role of this variant in disease. Therefore, it has been classified as a Variant of Uncertain Significance.

NM_001276270.2(MBD4):c.290G>C (p.Arg97Thr)

Gene: MBD4 (methyl-CpG binding domain 4, DNA glycosylase; minus strand). Cytogenetic location: 3q21.3.
Variant type: single nucleotide variant.
Coding change: c.290G>C on transcript NM_001276270.2 (MANE Select); coding-DNA position 290, G replaced by C.
Protein change: p.Arg97Thr; replaces arginine 97 with threonine.
Molecular consequence: missense variant. On other transcripts: intron variant (1).
Genome position (GRCh38, 1-based): chr3:129,437,765, C>G on the plus strand (G>C on the coding strand, the complement: MBD4 is on the minus strand). VCF-style: chr3-129437765-C-G. GRCh37 (hg19) VCF-style: chr3-129156608-C-G.
Other names: c.290G>C, p.Arg97Thr (NM_001276271.2, NM_001276272.2, NM_003925.3); c.247+43G>C (NM_001276273.2); short protein forms R97T.
Identifiers: ClinVar variation 3679691 (VCV003679691.3).